The following is an entry in ClinVar:

ClinVar aggregate classification (germline): Pathogenic/Likely pathogenic. Review status: criteria provided, multiple submitters, no conflicts (2 of 4 stars). 5 submissions from 5 submitters: Pathogenic (2); Likely pathogenic (2). 1 of the submissions does not count toward it. Last evaluated 2026-07-13.

Conditions:
Mitochondrial complex V (ATP synthase) deficiency, nuclear type 4A (MC5DN4A). Identifiers: MedGen C5830480, MONDO:0957254, OMIM 620358.
Inborn genetic diseases. Identifiers: MedGen C0950123, MeSH D030342.

Submissions (5):

Undiagnosed Diseases Network, NIH
Classification: Pathogenic for Mitochondrial complex V (ATP synthase) deficiency, nuclear type 4A. Last evaluated: 2026-07-13. Review status: criteria provided, single submitter. Criteria: ACMG Guidelines, 2015. Collection method: clinical testing. Allele origin: de novo. Inheritance: Autosomal dominant inheritance. Affected: yes. Observed: 1 variant allele, 1 heterozygote. Study: Undiagnosed Diseases Network (NIH), UDN.

Victorian Clinical Genetics Services, Murdoch Childrens Research Institute
Classification: Likely pathogenic for Mitochondrial complex V (ATP synthase) deficiency, nuclear type 4A. Last evaluated: 2024-11-27. Review status: criteria provided, single submitter. Criteria: ACMG Guidelines, 2015. Collection method: clinical testing. Allele origin: germline. Affected: yes.
Comment: This variant is classified as Likely pathogenic. Evidence in support of pathogenic classification: Variant is absent from gnomAD (v2, v3 and v4); This variant has moderate previous evidence of pathogenicity in unrelated individuals. This variant has been classified as pathogenic, likely pathogenic and VUS by clinical laboratories in Clinvar, and has been reported in the literature as de novo in an individual with a neurodevelopmental disorder (PMID: 34954817); This variant has moderate functional evidence supporting abnormal protein function. Proteomics studies on this individual have shown ATP5F1A is decreased compared to controls, and the relative OXPHOS complex abundance shows an isolated defect in complex V (Rare Diseases Now, Murdoch Children's Research Institute, Victoria, Australia); Another missense variant comparable to the one identified in this case has limited previous evidence for pathogenicity. p.(Arg182Pro) has been observed as de novo in an individual with a neurodevelopmental disorder (DECIPHER); Additional information: Variant is predicted to result in a missense amino acid change from arginine to glutamine; This variant is heterozygous; This gene is associated with both recessive and dominant disease (OMIM); No published segregation evidence has been identified for this variant; Variant is not located in an established domain, motif, hotspot or informative constraint region; Missense variant with a damaging in silico prediction and uninformative conservation; Loss of function is a suspected mechanism of disease in this gene and is associated with autosomal recessive combined oxidative phosphorylation deficiency 2 (MIM#616045), autosomal recessive mitochondrial complex V (ATP synthase) deficiency, nuclear type 4B, encephalopathic type (MIM#615228) and autosomal dominant mitochondrial complex V (ATP synthase) deficiency, nuclear type 4A (MIM#620358) (PMIDs: 34483339, 34954817, 23599390).

Ambry Genetics
Classification: Likely pathogenic for Inborn genetic diseases. Last evaluated: 2024-04-18. Review status: criteria provided, single submitter. Criteria: Ambry Variant Classification Scheme 2023. Collection method: clinical testing. Allele origin: germline.
Comment: The c.545G>A (p.R182Q) alteration is located in exon 6 (coding exon 5) of the ATP5A1 gene. This alteration results from a G to A substitution at nucleotide position 545, causing the arginine (R) at amino acid position 182 to be replaced by a glutamine (Q). for autosomal dominant ATP5F1A-related mitochondrial complex V deficiency; however, its clinical significance for autosomal recessive ATP5F1A-related mitochondrial complex V deficiency is uncertain. This variant was not reported in population-based cohorts in the Genome Aggregation Database (gnomAD). This variant and another variant at the same codon, c.545G>C (p.R182P), have been determined to be the result of a de novo mutation in multiple individuals with features consistent with ATP5F1A-related mitochondrial complex V deficiency (Zech, 2022; NCBI ClinVar; DECIPHER). Manual reference: National Center for Biotechnology Information. ClinVar; [VCV001185778.6], (accessed April 12, 2024). This amino acid position is highly conserved in available vertebrate species. This alteration is predicted to be deleterious by in silico analysis. Based on the available evidence, this alteration is classified as likely pathogenic.

GeneDx
Classification: Pathogenic. Last evaluated: 2024-04-11. Review status: criteria provided, single submitter. Criteria: GeneDx Variant Classification Process June 2021. Collection method: clinical testing. Allele origin: germline. Affected: yes.
Comment: Not observed at significant frequency in large population cohorts (gnomAD); In silico analysis supports that this missense variant has a deleterious effect on protein structure/function; This variant is associated with the following publications: (PMID: 33057194, 35982159, 34954817)

OMIM
Classification: Pathogenic for MITOCHONDRIAL COMPLEX V (ATP SYNTHASE) DEFICIENCY, NUCLEAR TYPE 4A. Last evaluated: 2023-05-04. Review status: no assertion criteria provided. Collection method: literature only. Allele origin: germline. Not counted in ClinVar's aggregate classification.

Literature cited by the submitters: PubMed 40859057 (cited by Undiagnosed Diseases Network, NIH); PubMed 34483339 (cited by Victorian Clinical Genetics Services, Murdoch Childrens Research Institute); PubMed 34954817 (cited by 3 submitters); PubMed 23599390 (cited by Victorian Clinical Genetics Services, Murdoch Childrens Research Institute).

NM_004046.6(ATP5F1A):c.545G>A (p.Arg182Gln)

Gene: ATP5F1A (ATP synthase F1 subunit alpha; minus strand). Cytogenetic location: 18q21.1.
Variant type: single nucleotide variant.
Coding change: c.545G>A on transcript NM_004046.6 (MANE Select); coding-DNA position 545, G replaced by A.
Protein change: p.Arg182Gln; replaces arginine 182 with glutamine.
Molecular consequence: missense variant.
Genome position (GRCh38, 1-based): chr18:46,089,671, C>T on the plus strand (G>A on the coding strand, the complement: ATP5F1A is on the minus strand). VCF-style: chr18-46089671-C-T. GRCh37 (hg19) VCF-style: chr18-43669637-C-T.
Other names: p.Arg182Gln; c.395G>A, p.Arg132Gln (NM_001001935.3, NM_001257335.2); c.545G>A, p.Arg182Gln (NM_001001937.2); c.479G>A, p.Arg160Gln (NM_001257334.2); short protein forms R132Q, R160Q, R182Q.
Identifiers: ClinVar variation 1185778 (VCV001185778.12), dbSNP rs2144189607, ClinGen allele CA402357393.